The following is an entry in ClinVar:

NM_000821.7(GGCX):c.789C>T (p.Asp263=)

Gene: GGCX (gamma-glutamyl carboxylase; minus strand). Cytogenetic location: 2p11.2.
Variant type: single nucleotide variant.
Coding change: c.789C>T on transcript NM_000821.7 (MANE Select); coding-DNA position 789, C replaced by T.
Protein change: p.Asp263=; no amino-acid change (aspartic acid 263 retained).
Molecular consequence: synonymous variant.
Genome position (GRCh38, 1-based): chr2:85,554,243, G>A on the plus strand (C>T on the coding strand, the complement: GGCX is on the minus strand). VCF-style: chr2-85554243-G-A. GRCh37 (hg19) VCF-style: chr2-85781366-G-A.
Other names: c.618C>T, p.Asp206= (NM_001142269.4).
Identifiers: ClinVar variation 337270 (VCV000337270.37), dbSNP rs146085955, ClinGen allele CA1742014.

ClinVar aggregate classification (germline): Conflicting classifications of pathogenicity. Review status: criteria provided, conflicting classifications (1 of 4 stars). 4 submissions from 4 submitters: Uncertain significance (1); Likely benign (3). Last evaluated 2026-02-01.

Conditions:
Vitamin K-dependent clotting factors, combined deficiency of, type 1. Also called: FACTORS II, VII, IX, AND X, COMBINED DEFICIENCY OF; FAMILIAL MULTIPLE COAGULATION FACTOR DEFICIENCY III; FMFD III; GLUTAMIC ACID, DEFICIENT GAMMA-CARBOXYLATION OF; MULTIPLE COAGULATION FACTOR DEFICIENCY III; VITAMIN K-DEPENDENT COAGULATION DEFECT. Identifiers: Orphanet 98434, MedGen C1848534, MONDO:0010187, OMIM 277450.

Allele frequency attached by ClinVar (database versions not stated): 1000 Genomes Project 30x 0.00031; 1000 Genomes Project 0.00040; TOPMed 0.00061; ESP Exome Variant Server 0.00069; gnomAD 0.00071; gnomAD exomes 0.00078 and 0.00084; ExAC 0.00079.
gnomAD v4.1: 1,323 of 1,613,686 alleles (0.082%); highest among the groups gnomAD compares: Admixed American, 0.13%; no homozygotes.

Submissions (4):

Labcorp Genetics (formerly Invitae), Labcorp
Classification: Likely benign. Last evaluated: 2026-02-01. Review status: criteria provided, single submitter. Criteria: Invitae Variant Classification Sherloc (09022015). Collection method: clinical testing. Allele origin: germline.

Blueprint Genetics
Classification: Likely benign. Last evaluated: 2024-11-18. Review status: criteria provided, single submitter. Criteria: ACMG Guidelines, 2015. Collection method: clinical testing. Allele origin: germline.

CeGaT Center for Human Genetics Tuebingen
Classification: Likely benign. Last evaluated: 2023-03-01. Review status: criteria provided, single submitter. Criteria: CeGaT Center For Human Genetics Tuebingen Variant Classification Criteria Version 2. Collection method: clinical testing. Allele origin: germline. Affected: yes. Observed: 1 variant allele.
Comment: GGCX: BP4

Illumina Laboratory Services, Illumina
Classification: Uncertain significance for Vitamin K-dependent clotting factors, combined deficiency of, type 1. Last evaluated: 2018-01-12. Review status: criteria provided, single submitter. Criteria: ICSL Variant Classification Criteria 13 December 2019. Collection method: clinical testing. Allele origin: germline.